The following is an entry in ClinVar:

NM_201384.3(PLEC):c.10720A>G (p.Ile3574Val)

Gene: PLEC (plectin; minus strand). Cytogenetic location: 8q24.3.
Variant type: single nucleotide variant.
Coding change: c.10720A>G on transcript NM_201384.3 (MANE Select); coding-DNA position 10720, A replaced by G.
Protein change: p.Ile3574Val; replaces isoleucine 3574 with valine.
Molecular consequence: missense variant.
Genome position (GRCh38, 1-based): chr8:143,919,101, T>C on the plus strand (A>G on the coding strand, the complement: PLEC is on the minus strand). VCF-style: chr8-143919101-T-C. GRCh37 (hg19) VCF-style: chr8-144993269-T-C.
Other names: c.10801A>G, p.Ile3601Val (NM_000445.5); c.10678A>G, p.Ile3560Val (NM_201378.4); c.10654A>G, p.Ile3552Val (NM_201379.3); c.11131A>G, p.Ile3711Val (NM_201380.4); c.10624A>G, p.Ile3542Val (NM_201381.3); c.10720A>G, p.Ile3574Val (NM_201382.4); c.10732A>G, p.Ile3578Val (NM_201383.3); short protein forms I3552V, I3560V, I3578V, I3601V, I3542V, I3574V, I3711V.
Identifiers: ClinVar variation 862196 (VCV000862196.10), dbSNP rs1554677163, ClinGen allele CA372496986.
Genomic context (GRCh38, chr8:143,919,101, plus strand): 5'-CCGACTGCATCACCTCCCACAGGGACATGGTGGAGCCGCCGTGGCTGCCGCCGCCGGGAA[T>C]GTCGATCTGTGTCTCTTCAAATGCCCTTCTTGTCTCCTCCTCAGTGTACACCTGCGTGGT-3'
Protein context (NP_958786.1, residues 3564-3584): RRAFEETQID[Ile3574Val]PGGGSHGGST

ClinVar aggregate classification (germline): Uncertain significance (1 of 4 stars; one submission).

Conditions:
Epidermolysis bullosa simplex 5B, with muscular dystrophy (EBS5B). Also called: EPIDERMOLYSIS BULLOSA SIMPLEX AND LIMB-GIRDLE MUSCULAR DYSTROPHY; Epidermolysis bullosa simplex with muscular dystrophy. Identifiers: Orphanet 257, MedGen C2931072, MONDO:0009181, OMIM 226670.
Epidermolysis bullosa simplex, Ogna type (EBS5A). Also called: Pidermolysis bullosa simplex 5A, Ogna type; EPIDERMOLYSIS BULLOSA SIMPLEX 5A, OGNA TYPE. Identifiers: Orphanet 79401, MedGen C0432317, MONDO:0007555, OMIM 131950.
Epidermolysis bullosa simplex 5C, with pyloric atresia (EBS5C). Also called: PLEC1-Related Epidermolysis Bullosa with Pyloric Atresia; PLEC-Related Epidermolysis Bullosa with Pyloric Atresia; Epidermolysis bullosa simplex with pyloric atresia. Identifiers: Orphanet 158684, MedGen C2677349, MONDO:0012807, OMIM 612138.
Autosomal recessive limb-girdle muscular dystrophy type 2Q (LGMDR17). Also called: MUSCULAR DYSTROPHY, LIMB-GIRDLE, AUTOSOMAL RECESSIVE 17. Identifiers: Orphanet 254361, MedGen C3150989, MONDO:0013390, OMIM 613723.
Epidermolysis bullosa simplex with nail dystrophy (EBS5D). Identifiers: MedGen C4225309, MONDO:0014661, OMIM 616487.

Allele frequency attached by ClinVar (database versions not stated): gnomAD 0.00001.

Submission:

Labcorp Genetics (formerly Invitae), Labcorp
Classification: Uncertain significance for Autosomal recessive limb-girdle muscular dystrophy type 2Q; Epidermolysis bullosa simplex, Ogna type; Epidermolysis bullosa simplex with nail dystrophy; Epidermolysis bullosa simplex 5C, with pyloric atresia; Epidermolysis bullosa simplex 5B, with muscular dystrophy. Last evaluated: 2022-10-07. Review status: criteria provided, single submitter. Criteria: Invitae Variant Classification Sherloc (09022015). Collection method: clinical testing. Allele origin: germline.
Comment: This variant is present in population databases (no rsID available, gnomAD 0.007%). In summary, the available evidence is currently insufficient to determine the role of this variant in disease. Therefore, it has been classified as a Variant of Uncertain Significance. Algorithms developed to predict the effect of missense changes on protein structure and function (SIFT, PolyPhen-2, Align-GVGD) all suggest that this variant is likely to be disruptive. ClinVar contains an entry for this variant (Variation ID: 862196). This variant has not been reported in the literature in individuals affected with PLEC-related conditions. This sequence change replaces isoleucine, which is neutral and non-polar, with valine, which is neutral and non-polar, at codon 3601 of the PLEC protein (p.Ile3601Val).